The following is an entry in ClinVar:

ClinVar aggregate classification (germline): Conflicting classifications of pathogenicity. Review status: criteria provided, conflicting classifications (1 of 4 stars). 2 submissions from 2 submitters: Likely pathogenic (1); Uncertain significance (1). Last evaluated 2024-12-14.

Allele frequency attached by ClinVar (database versions not stated): gnomAD exomes below 0.00001 and 0.00001; ExAC 0.00001; TOPMed 0.00007; gnomAD 0.00008 and 0.00009.
gnomAD v4.1: 16 of 1,613,718 alleles (0.00099%); highest among the groups gnomAD compares: African/African-American, 0.02%; no homozygotes.

Submissions (2):

Women's Health and Genetics/Laboratory Corporation of America, LabCorp
Classification: Uncertain significance. Last evaluated: 2024-12-14. Review status: criteria provided, single submitter. Criteria: LabCorp Variant Classification Summary - May 2015. Collection method: clinical testing. Allele origin: germline.

GeneDx
Classification: Likely pathogenic. Last evaluated: 2013-06-03. Review status: criteria provided, single submitter. Criteria: GeneDx Variant Classification (06012015). Collection method: clinical testing. Allele origin: germline. Affected: yes.
Comment: The N419S missense change in the PDHX gene has not been published as a mutation, nor has it been reported as a benign polymorphism to our knowledge. The amino acid change is conservative in that both Asparagine and Serine are uncharged, non-polar amino acids. However, this change occurs at a highly conserved position in the PDHX protein and multiple in-silico analysis programs predict that N419S is damaging to the PDHX protein. Therefore, N419S was interpreted to be a strong candidate for a disease-causing mutation, however the possibility that it is a benign variant cannot be excluded. The variant is found in MITONUC-MITOP panel(s).

NM_003477.3(PDHX):c.1256A>G (p.Asn419Ser)

Gene: PDHX (pyruvate dehydrogenase complex component X; plus strand). Cytogenetic location: 11p13.
Variant type: single nucleotide variant.
Coding change: c.1256A>G on transcript NM_003477.3 (MANE Select); coding-DNA position 1256, A replaced by G.
Protein change: p.Asn419Ser; replaces asparagine 419 with serine.
Molecular consequence: missense variant.
Genome position (GRCh38, 1-based): chr11:34,994,922, A>G. VCF-style: chr11-34994922-A-G. GRCh37 (hg19) VCF-style: chr11-35016469-A-G.
Other names: p.N419S:AAC>AGC; c.1076A>G, p.Asn359Ser (NM_001135024.2); c.575A>G, p.Asn192Ser (NM_001166158.2); short protein forms N419S, N192S, N359S.
Identifiers: ClinVar variation 214967 (VCV000214967.3), dbSNP rs745949756, ClinGen allele CA322110.
Genomic context (GRCh38, chr11:34,994,922, plus strand): 5'-GGGACTTTGATTAAGGACATGCCTCCTTCAGAGCTTTTTCTTTTCCCCCTAGTATTTCCA[A>G]CTTGGGGATGTTTGGCATCGACGAATTTACTGCAGTGATTAACCCTCCTCAGGCCTGCAT-3'
Protein context (NP_003468.2, residues 409-429): EYQGGSFSIS[Asn419Ser]LGMFGIDEFT